The following is an entry in ClinVar:

NM_032531.4(KIRREL3):c.568A>G (p.Ile190Val)

Gene: KIRREL3 (kirre like nephrin family adhesion molecule 3; minus strand). Cytogenetic location: 11q24.2.
Variant type: single nucleotide variant.
Coding change: c.568A>G on transcript NM_032531.4 (MANE Select); coding-DNA position 568, A replaced by G.
Protein change: p.Ile190Val; replaces isoleucine 190 with valine.
Molecular consequence: missense variant.
Genome position (GRCh38, 1-based): chr11:126,473,332, T>C on the plus strand (A>G on the coding strand, the complement: KIRREL3 is on the minus strand). VCF-style: chr11-126473332-T-C. GRCh37 (hg19) VCF-style: chr11-126343227-T-C.
Other names: c.568A>G, p.Ile190Val (NM_001161707.2, NM_001301097.2); short protein forms I190V.
Identifiers: ClinVar variation 129428 (VCV000129428.9), dbSNP rs111418068, ClinGen allele CA153416.

ClinVar aggregate classification (germline): Benign. Review status: criteria provided, single submitter (1 of 4 stars). 3 submissions from 3 submitters: Benign (1). 2 of the submissions do not count toward it.

Conditions:
KIRREL3-related disorder. Also called: KIRREL3-related condition.

Allele frequency attached by ClinVar (database versions not stated): 1000 Genomes Project 30x 0.03357; gnomAD 0.03772 and 0.03684; TOPMed 0.03965; 1000 Genomes Project 0.03415; gnomAD exomes 0.05290 and 0.05302; ESP Exome Variant Server 0.04008; ExAC 0.07693.
gnomAD v4.1: 76,930 of 1,484,966 alleles (5.2%); highest among the groups gnomAD compares: Middle Eastern, 9.1%; 2,332 homozygotes.

Submissions (3):

Breakthrough Genomics
Classification: Benign. Review status: criteria provided, single submitter. Criteria: ACMG Guidelines, 2015. Collection method: not provided. Allele origin: germline. Inheritance: Unknown mechanism. Affected: yes.

PreventionGenetics, part of Exact Sciences
Classification: Benign for KIRREL3-related condition. Last evaluated: 2019-09-06. Review status: no assertion criteria provided. Collection method: clinical testing. Allele origin: germline. Not counted in ClinVar's aggregate classification.
Comment: This variant is classified as benign based on ACMG/AMP sequence variant interpretation guidelines (Richards et al. 2015 PMID: 25741868, with internal and published modifications).

Genetic Services Laboratory, University of Chicago
Classification: Likely benign for AllHighlyPenetrant. Review status: no assertion criteria provided. Collection method: clinical testing. Allele origin: germline. Inheritance: Autosomal dominant inheritance. Not counted in ClinVar's aggregate classification.
Comment: Likely benign based on allele frequency in 1000 Genomes Project or ESP global frequency and its presence in a patient with a rare or unrelated disease phenotype. NOT Sanger confirmed.